The following is an entry in ClinVar:

ClinVar aggregate classification (germline): Uncertain significance (1 of 4 stars; one submission).

Submission:

Labcorp Genetics (formerly Invitae), Labcorp
Classification: Uncertain significance. Last evaluated: 2024-11-05. Review status: criteria provided, single submitter. Criteria: Invitae Variant Classification Sherloc (09022015). Collection method: clinical testing. Allele origin: germline.
Comment: This sequence change replaces leucine, which is neutral and non-polar, with phenylalanine, which is neutral and non-polar, at codon 28 of the FH protein (p.Leu28Phe). This variant is not present in population databases (gnomAD no frequency). This variant has not been reported in the literature in individuals affected with FH-related conditions. Invitae Evidence Modeling of protein sequence and biophysical properties (such as structural, functional, and spatial information, amino acid conservation, physicochemical variation, residue mobility, and thermodynamic stability) indicates that this missense variant is not expected to disrupt FH protein function with a negative predictive value of 95%. In summary, the available evidence is currently insufficient to determine the role of this variant in disease. Therefore, it has been classified as a Variant of Uncertain Significance.

NM_000143.4(FH):c.84G>C (p.Leu28Phe)

Gene: FH (fumarate hydratase; minus strand). Cytogenetic location: 1q43.
Variant type: single nucleotide variant.
Coding change: c.84G>C on transcript NM_000143.4 (MANE Select); coding-DNA position 84, G replaced by C.
Protein change: p.Leu28Phe; replaces leucine 28 with phenylalanine.
Molecular consequence: missense variant.
Genome position (GRCh38, 1-based): chr1:241,519,639, C>G on the plus strand (G>C on the coding strand, the complement: FH is on the minus strand). VCF-style: chr1-241519639-C-G. GRCh37 (hg19) VCF-style: chr1-241682939-C-G.
Other names: short protein forms L28F.
Identifiers: ClinVar variation 3633854 (VCV003633854.2).